The following is an entry in ClinVar:

NM_001792.5(CDH2):c.2210-3T>C

Gene: CDH2 (cadherin 2; minus strand). Cytogenetic location: 18q12.1.
Variant type: single nucleotide variant.
Coding change: c.2210-3T>C on transcript NM_001792.5 (MANE Select); 3 bases into the intron before coding-DNA position 2210, T replaced by C.
Molecular consequence: intron variant.
Genome position (GRCh38, 1-based): chr18:27,983,086, A>G on the plus strand (T>C on the coding strand, the complement: CDH2 is on the minus strand). VCF-style: chr18-27983086-A-G. GRCh37 (hg19) VCF-style: chr18-25563050-A-G.
Other names: c.2117-3T>C (NM_001308176.2).
Identifiers: ClinVar variation 2902415 (VCV002902415.3), dbSNP rs754834130, ClinGen allele CA8923199.

ClinVar aggregate classification (germline): Uncertain significance (1 of 4 stars; one submission).

Allele frequency attached by ClinVar (database versions not stated): TOPMed 0.00001; gnomAD exomes below 0.00001; ExAC 0.00001; gnomAD 0.00001.
gnomAD v4.1: 3 of 1,604,056 alleles (0.00019%); highest among the groups gnomAD compares: African/African-American, 0.004%; no homozygotes.

Submission:

Labcorp Genetics (formerly Invitae), Labcorp
Classification: Uncertain significance. Last evaluated: 2025-08-11. Review status: criteria provided, single submitter. Criteria: Invitae Variant Classification Sherloc (09022015). Collection method: clinical testing. Allele origin: germline.
Comment: This sequence change falls in intron 13 of the CDH2 gene. It does not directly change the encoded amino acid sequence of the CDH2 protein. It affects a nucleotide within the consensus splice site. This variant is present in population databases (rs754834130, gnomAD 0.007%). This variant has not been reported in the literature in individuals affected with CDH2-related conditions. ClinVar contains an entry for this variant (Variation ID: 2902415). Variants that disrupt the consensus splice site are a relatively common cause of aberrant splicing (PMID: 17576681, 9536098). Algorithms developed to predict the effect of sequence changes on RNA splicing suggest that this variant is not likely to affect RNA splicing. In summary, the available evidence is currently insufficient to determine the role of this variant in disease. Therefore, it has been classified as a Variant of Uncertain Significance.

Literature cited by the submitters: PubMed 17576681; PubMed 9536098.